The following is an entry in ClinVar:

NM_001958.5(EEF1A2):c.1335C>T (p.Ser445=)

Gene: EEF1A2 (eukaryotic translation elongation factor 1 alpha 2; minus strand). Cytogenetic location: 20q13.33.
Variant type: single nucleotide variant.
Coding change: c.1335C>T on transcript NM_001958.5 (MANE Select); coding-DNA position 1335, C replaced by T.
Protein change: p.Ser445=; no amino-acid change (serine 445 retained).
Molecular consequence: synonymous variant.
Genome position (GRCh38, 1-based): chr20:63,488,355, G>A on the plus strand (C>T on the coding strand, the complement: EEF1A2 is on the minus strand). VCF-style: chr20-63488355-G-A. GRCh37 (hg19) VCF-style: chr20-62119708-G-A.
Identifiers: ClinVar variation 383879 (VCV000383879.19), dbSNP rs372257864, ClinGen allele CA9958915.

ClinVar aggregate classification (germline): Benign. Review status: criteria provided, multiple submitters, no conflicts (2 of 4 stars). 6 submissions from 6 submitters: Benign (5). 1 of the submissions does not count toward it. Last evaluated 2026-02-02.

Conditions:
Inborn genetic diseases. Identifiers: MedGen C0950123, MeSH D030342.
EEF1A2-related disorder. Also called: EEF1A2-related disorders; EEF1A2-related condition.
Developmental and epileptic encephalopathy, 33 (DEE33). Also called: Epileptic encephalopathy, early infantile, 33. Identifiers: Orphanet 442835, MedGen C4225337, MONDO:0014625, OMIM 616409.

Allele frequency attached by ClinVar (database versions not stated): ESP Exome Variant Server 0.00190; gnomAD 0.00202 and 0.00289; TOPMed 0.00210; gnomAD exomes 0.00655; 1000 Genomes Project 30x 0.00656; 1000 Genomes Project 0.00759; ExAC 0.01446.
gnomAD v4.1: 6,219 of 1,470,598 alleles (0.42%); highest among the groups gnomAD compares: South Asian, 2.6%; 45 homozygotes.

Submissions (6):

Labcorp Genetics (formerly Invitae), Labcorp
Classification: Benign for Developmental and epileptic encephalopathy, 33. Last evaluated: 2026-02-02. Review status: criteria provided, single submitter. Criteria: Invitae Variant Classification Sherloc (09022015). Collection method: clinical testing. Allele origin: germline.

Athena Diagnostics
Classification: Benign. Last evaluated: 2025-09-30. Review status: criteria provided, single submitter. Criteria: Athena Diagnostics Criteria. Collection method: clinical testing. Allele origin: unknown.
Comment: The frequency of this variant in the general population is higher than would generally be expected for pathogenic variants in this gene. Computational tools yielded predictions that this variant is unlikely to have an effect on normal RNA splicing. This nucleotide position exhibits low evolutionary conservation.

Ambry Genetics
Classification: Benign for Inborn genetic diseases. Last evaluated: 2016-05-15. Review status: criteria provided, single submitter. Criteria: Ambry Variant Classification Scheme 2023. Collection method: clinical testing. Allele origin: germline.

GeneDx
Classification: Benign. Last evaluated: 2016-03-04. Review status: criteria provided, single submitter. Criteria: GeneDx Variant Classification (06012015). Collection method: clinical testing. Allele origin: germline. Affected: yes.
Comment: This variant is considered likely benign or benign based on one or more of the following criteria: it is a conservative change, it occurs at a poorly conserved position in the protein, it is predicted to be benign by multiple in silico algorithms, and/or has population frequency not consistent with disease.

Breakthrough Genomics
Classification: Benign. Review status: criteria provided, single submitter. Criteria: ACMG Guidelines, 2015. Collection method: not provided. Allele origin: germline. Inheritance: Autosomal dominant inheritance. Affected: yes.

PreventionGenetics, part of Exact Sciences
Classification: Benign for EEF1A2-related condition. Last evaluated: 2019-07-29. Review status: no assertion criteria provided. Collection method: clinical testing. Allele origin: germline. Not counted in ClinVar's aggregate classification.
Comment: This variant is classified as benign based on ACMG/AMP sequence variant interpretation guidelines (Richards et al. 2015 PMID: 25741868, with internal and published modifications).